The following is an entry in ClinVar:

NM_024649.5(BBS1):c.1762G>A (p.Glu588Lys)

Genes: ZDHHC24 (zDHHC palmitoyltransferase 24; minus strand), BBS1 (Bardet-Biedl syndrome 1; plus strand). Cytogenetic location: 11q13.2.
Variant type: single nucleotide variant.
Coding change: c.1762G>A on transcript NM_024649.5 (MANE Select); coding-DNA position 1762, G replaced by A.
Protein change: p.Glu588Lys; replaces glutamic acid 588 with lysine.
Molecular consequence: missense variant. On other transcripts: intron variant (1).
Genome position (GRCh38, 1-based): chr11:66,532,017, G>A. VCF-style: chr11-66532017-G-A. GRCh37 (hg19) VCF-style: chr11-66299488-G-A.
Other names: c.560-2529C>T (NM_001348571.2); short protein forms E588K.
Identifiers: ClinVar variation 531827 (VCV000531827.9), dbSNP rs761304709, ClinGen allele CA6123890.
Genomic context (GRCh38, chr11:66,532,017, plus strand): 5'-GTGCTTCGAGAAGGCCAAAGTGCACCCCTGCTGAGTGCCCACGTCAACATGCCTGGGAGC[G>A]AGGGGCTGGCGGCCGCCTGAGACCTGAGCTGCTGTGAAAGCCCCTGCACAATCAGCCAGG-3'
Protein context (NP_078925.3, residues 578-593): LSAHVNMPGS[Glu588Lys]GLAAA

ClinVar aggregate classification (germline): Uncertain significance. Review status: criteria provided, multiple submitters, no conflicts (2 of 4 stars). 5 submissions from 5 submitters: Uncertain significance (4). 1 of the submissions does not count toward it. Last evaluated 2026-04-07.

Conditions:
BBS1-related disorder. Also called: BBS1-related condition.
Inborn genetic diseases. Identifiers: MedGen C0950123, MeSH D030342.
Bardet-Biedl syndrome 1 (BBS1). Identifiers: MedGen C2936862, MONDO:0008854, OMIM 209900. Disease mechanism: loss of function.
Bardet-Biedl syndrome (BBS). Identifiers: Orphanet 110, MedGen C0752166, MONDO:0015229.

Allele frequency attached by ClinVar (database versions not stated): gnomAD 0.00001; gnomAD exomes 0.00001 and 0.00003; ExAC 0.00003; TOPMed 0.00001.
gnomAD v4.1: 11 of 1,606,898 alleles (0.00068%); highest among the groups gnomAD compares: Admixed American, 0.0067%; no homozygotes.

Submissions (5):

PreventionGenetics, part of Exact Sciences
Classification: Uncertain significance for BBS1-related condition. Last evaluated: 2026-04-07. Review status: criteria provided, single submitter. Criteria: ACMG Guidelines, 2015. Collection method: clinical testing. Allele origin: germline.
Comment: The BBS1 c.1762G>A variant is predicted to result in the amino acid substitution p.Glu588Lys. To our knowledge, this variant has not been reported in the literature. This variant is reported in 0.015% of alleles in individuals of Latino descent in gnomAD. At this time, the clinical significance of this variant is uncertain due to the absence of conclusive functional and genetic evidence.

Fulgent Genetics
Classification: Uncertain significance for Bardet-Biedl syndrome 1. Last evaluated: 2024-05-26. Review status: criteria provided, single submitter. Criteria: ACMG Guidelines, 2015. Collection method: clinical testing. Allele origin: germline.

Labcorp Genetics (formerly Invitae), Labcorp
Classification: Uncertain significance for Bardet-Biedl syndrome. Last evaluated: 2021-08-13. Review status: criteria provided, single submitter. Criteria: Invitae Variant Classification Sherloc (09022015). Collection method: clinical testing. Allele origin: germline.
Comment: This sequence change replaces glutamic acid with lysine at codon 588 of the BBS1 protein (p.Glu588Lys). The glutamic acid residue is highly conserved and there is a small physicochemical difference between glutamic acid and lysine. The frequency data for this variant in the population databases is considered unreliable, as metrics indicate poor data quality at this position in the ExAC database. This missense change has been observed in individual(s) with clinical features of BBS1-related conditions (Invitae). Algorithms developed to predict the effect of missense changes on protein structure and function (SIFT, PolyPhen-2, Align-GVGD) all suggest that this variant is likely to be disruptive. In summary, the available evidence is currently insufficient to determine the role of this variant in disease. Therefore, it has been classified as a Variant of Uncertain Significance.

Ambry Genetics
Classification: Uncertain significance for Inborn genetic diseases. Last evaluated: 2021-03-25. Review status: criteria provided, single submitter. Criteria: Ambry Variant Classification Scheme 2023. Collection method: clinical testing. Allele origin: germline.
Comment: The c.1762G>A (p.E588K) alteration is located in exon 17 (coding exon 17) of the BBS1 gene. This alteration results from a G to A substitution at nucleotide position 1762, causing the glutamic acid (E) at amino acid position 588 to be replaced by a lysine (K). The p.E588K alteration is predicted to be deleterious by in silico analysis. Based on insufficient or conflicting evidence, the clinical significance of this alteration remains unclear.

Natera, Inc.
Classification: Uncertain significance for Bardet-Biedl syndrome type 1. Last evaluated: 2019-10-28. Review status: no assertion criteria provided. Collection method: clinical testing. Allele origin: germline. Not counted in ClinVar's aggregate classification.